The following is an entry in ClinVar:

ClinVar aggregate classification (germline): Uncertain significance. Review status: criteria provided, single submitter (1 of 4 stars). 2 submissions from 1 submitter: Uncertain significance (2). Last evaluated 2023-06-15.

Conditions:
Immunodeficiency 132A. Also called: Herpes simplex encephalitis, susceptibility to, 3. Identifiers: Orphanet 1930, MedGen C3553868, MONDO:0013920, OMIM 614849.
Charcot-Marie-Tooth disease axonal type 2O. Also called: CHARCOT-MARIE-TOOTH NEUROPATHY, AXONAL, TYPE 2O; CHARCOT-MARIE-TOOTH DISEASE, AXONAL, AUTOSOMAL DOMINANT, TYPE 2O; Charcot-Marie-Tooth Neuropathy Type 2O; Charcot-Marie-Tooth disease, axonal, type 20. Identifiers: Orphanet 284232, MedGen C3280220, MONDO:0013644, OMIM 614228.

Submissions (2):

Labcorp Genetics (formerly Invitae), Labcorp
Classification: Uncertain significance for Immunodeficiency 132A. Last evaluated: 2023-06-15. Review status: criteria provided, single submitter. Criteria: Invitae Variant Classification Sherloc (09022015). Collection method: clinical testing. Allele origin: unknown.
Comment: In summary, the available evidence is currently insufficient to determine the role of this variant in disease. Therefore, it has been classified as a Variant of Uncertain Significance. This variant has not been reported in the literature in individuals affected with TRAF3-related conditions. A copy number gain of the genomic region encompassing the full coding sequence of the TRAF3 gene has been identified. The boundaries of this event are unknown as they extend beyond the assayed region for this gene and therefore may encompass additional genes. As the precise location of this event is unknown, it may be in tandem or it may be located elsewhere in the genome.

Labcorp Genetics (formerly Invitae), Labcorp
Classification: Uncertain significance for Charcot-Marie-Tooth disease axonal type 2O. Last evaluated: 2022-08-23. Review status: criteria provided, single submitter. Criteria: Invitae Variant Classification Sherloc (09022015). Collection method: clinical testing. Allele origin: germline.
Comment: A copy number gain of the genomic region encompassing the full coding sequence of the DYNC1H1 gene has been identified. The boundaries of this event are unknown as they extend beyond the assayed region for this gene and therefore may encompass additional genes. As the precise location of this event is unknown, it may be in tandem or it may be located elsewhere in the genome. This variant has not been reported in the literature in individuals affected with DYNC1H1-related conditions. In summary, the available evidence is currently insufficient to determine the role of this variant in disease. Therefore, it has been classified as a Variant of Uncertain Significance.

NC_000014.8:g.(?_102228231)_(105861009_?)dup

Genes: ADSS1 (adenylosuccinate synthase 1; plus strand), AHNAK2 (AHNAK nucleoprotein 2; minus strand), AKT1 (AKT serine/threonine kinase 1; minus strand), AMN (amnion associated transmembrane protein; plus strand), ANKRD9 (ankyrin repeat domain 9; minus strand) and 44 more. Cytogenetic location: 14q32.31-32.33.
Variant type: Duplication.
Identifiers: ClinVar variation 2424156 (VCV002424156.4).